The following is an entry in ClinVar:

NM_000321.3(RB1):c.76C>T (p.Pro26Ser)

Gene: RB1 (RB transcriptional corepressor 1; plus strand). Cytogenetic location: 13q14.2.
Variant type: single nucleotide variant.
Coding change: c.76C>T on transcript NM_000321.3 (MANE Select); coding-DNA position 76, C replaced by T.
Protein change: p.Pro26Ser; replaces proline 26 with serine.
Molecular consequence: missense variant.
Genome position (GRCh38, 1-based): chr13:48,303,988, C>T. VCF-style: chr13-48303988-C-T. GRCh37 (hg19) VCF-style: chr13-48878124-C-T.
Other names: c.76C>T, p.Pro26Ser (NM_001407165.1, NM_001407166.1, NM_001407167.1); short protein forms P26S.
Identifiers: ClinVar variation 1760207 (VCV001760207.8), dbSNP rs2138027626, ClinGen allele CA388250275.

ClinVar aggregate classification (germline): Uncertain significance. Review status: criteria provided, multiple submitters, no conflicts (2 of 4 stars). 2 submissions from 2 submitters: Uncertain significance (2). Last evaluated 2025-06-25.

Conditions:
Hereditary cancer-predisposing syndrome. Also called: Neoplastic Syndromes, Hereditary; Tumor predisposition; Hereditary Cancer Syndrome; Hereditary neoplastic syndrome. Identifiers: Orphanet 140162, MedGen C0027672, MeSH D009386, MONDO:0015356.
Retinoblastoma (RB1). Also called: RETINOBLASTOMA, SOMATIC. Identifiers: Orphanet 790, MedGen C0035335, MeSH D012175, MONDO:0008380, OMIM 180200, HP:0009919. Disease mechanism: loss of function. Inheritance: Both sporadic and heritable forms are tested..

Allele frequency attached by ClinVar (database versions not stated): gnomAD exomes below 0.00001.
gnomAD v4.1: 2 of 1,499,010 alleles (0.00013%); highest among the groups gnomAD compares: African/African-American, 0.0015%; no homozygotes.

Submissions (2):

Ambry Genetics
Classification: Uncertain significance for Hereditary cancer-predisposing syndrome. Last evaluated: 2025-06-25. Review status: criteria provided, single submitter. Criteria: Ambry Variant Classification Scheme 2023. Collection method: clinical testing. Allele origin: germline.
Comment: The p.P26S variant (also known as c.76C>T), located in coding exon 1 of the RB1 gene, results from a C to T substitution at nucleotide position 76. The proline at codon 26 is replaced by serine, an amino acid with similar properties. This amino acid position is well conserved in available vertebrate species. In addition, the in silico prediction for this alteration is inconclusive. Based on the available evidence, the clinical significance of this variant remains unclear.

Labcorp Genetics (formerly Invitae), Labcorp
Classification: Uncertain significance for Retinoblastoma. Last evaluated: 2025-06-18. Review status: criteria provided, single submitter. Criteria: Invitae Variant Classification Sherloc (09022015). Collection method: clinical testing. Allele origin: germline.
Comment: This sequence change replaces proline, which is neutral and non-polar, with serine, which is neutral and polar, at codon 26 of the RB1 protein (p.Pro26Ser). This variant is not present in population databases (gnomAD no frequency). This variant has not been reported in the literature in individuals affected with RB1-related conditions. ClinVar contains an entry for this variant (Variation ID: 1760207). Invitae Evidence Modeling of protein sequence and biophysical properties (such as structural, functional, and spatial information, amino acid conservation, physicochemical variation, residue mobility, and thermodynamic stability) has been performed for this missense variant. However, the output from this modeling did not meet the statistical confidence thresholds required to predict the impact of this variant on RB1 protein function. In summary, the available evidence is currently insufficient to determine the role of this variant in disease. Therefore, it has been classified as a Variant of Uncertain Significance.